The following is an entry in ClinVar:

ClinVar aggregate classification (germline): Uncertain significance. Review status: criteria provided, multiple submitters, no conflicts (2 of 4 stars). 2 submissions from 2 submitters: Uncertain significance (2). Last evaluated 2025-08-10.

Conditions:
Inborn genetic diseases. Identifiers: MedGen C0950123, MeSH D030342.
ANK3-related disorder. Also called: ANK3-related condition.

gnomAD v4.1: 9 of 1,614,192 alleles (0.00056%); highest among the groups gnomAD compares: African/African-American, 0.0067%; no homozygotes.

Submissions (2):

Ambry Genetics
Classification: Uncertain significance for Inborn genetic diseases. Last evaluated: 2025-08-10. Review status: criteria provided, single submitter. Criteria: Ambry Variant Classification Scheme 2023. Collection method: clinical testing. Allele origin: germline.

Clinical Genomics Laboratory, Washington University in St. Louis
Classification: Uncertain significance for ANK3-related disorders. Last evaluated: 2024-12-13. Review status: criteria provided, single submitter. Criteria: ACMG Guidelines, 2015. Collection method: clinical testing. Allele origin: germline.
Comment: The ANK3 c.9842T>C (p.Met3281Thr) variant, to our knowledge, has not been reported in the medical literature. This variant is only observed on 4/249,804 alleles in the general population (gnomAD v.2.1.1), indicating it is not a common variant. This variant only impacts the largest ANK3 isoform 1 (480 kDa). Missense variants in the same exon have been identified in multiple individuals with autism spectrum disorder (Yoon et al., PMID: 35794211). Computational predictors suggest that the variant does not impact ANK3 function. Due to significant transcriptional complexity of this locus (Holmgren A et al., PMID: 35091539), it is unclear whether this variant results in sufficient disruption of the ANK3 function (if at all) to be clinically significant. Based on available information and the ACMG/AMP guidelines for variant interpretation (Richards S et al., PMID: 25741868), this variant is classified as variant of uncertain significance.

NM_020987.5(ANK3):c.9842T>C (p.Met3281Thr)

Gene: ANK3 (ankyrin 3; minus strand). Cytogenetic location: 10q21.2.
Variant type: single nucleotide variant.
Coding change: c.9842T>C on transcript NM_020987.5 (MANE Select); coding-DNA position 9842, T replaced by C.
Protein change: p.Met3281Thr; replaces methionine 3281 with threonine.
Molecular consequence: missense variant. On other transcripts: intron variant (4).
Genome position (GRCh38, 1-based): chr10:60,071,039, A>G on the plus strand (T>C on the coding strand, the complement: ANK3 is on the minus strand). VCF-style: chr10-60071039-A-G. GRCh37 (hg19) VCF-style: chr10-61830797-A-G.
Other names: c.4388-3030T>C (NM_001204403.2); c.4409-3030T>C (NM_001204404.2); c.4406-3030T>C (NM_001320874.2); c.1808-3030T>C (NM_001149.4); c.9842T>C (NM_020987.3); short protein forms M3281T.
Identifiers: ClinVar variation 3600456 (VCV003600456.2).